The following is an entry in ClinVar:

ClinVar aggregate classification (germline): Uncertain significance. Review status: criteria provided, multiple submitters, no conflicts (2 of 4 stars). 3 submissions from 3 submitters: Uncertain significance (3). Last evaluated 2023-02-10.

Conditions:
Hereditary cancer-predisposing syndrome. Also called: Hereditary neoplastic syndrome; Neoplastic Syndromes, Hereditary; Tumor predisposition; Hereditary Cancer Syndrome. Identifiers: Orphanet 140162, MedGen C0027672, MeSH D009386, MONDO:0015356.
Tuberous sclerosis 2 (TSC2). Identifiers: Orphanet 805, MedGen C1860707, MONDO:0013199, OMIM 613254.

Submissions (3):

Labcorp Genetics (formerly Invitae), Labcorp
Classification: Uncertain significance for Tuberous sclerosis 2. Last evaluated: 2023-02-10. Review status: criteria provided, single submitter. Criteria: Invitae Variant Classification Sherloc (09022015). Collection method: clinical testing. Allele origin: germline.
Comment: In summary, the available evidence is currently insufficient to determine the role of this variant in disease. Therefore, it has been classified as a Variant of Uncertain Significance. Experimental studies and prediction algorithms are not available or were not evaluated, and the functional significance of this variant is currently unknown. ClinVar contains an entry for this variant (Variation ID: 1215595). This variant has not been reported in the literature in individuals affected with TSC2-related conditions. This variant, c.680_682del, results in the deletion of 1 amino acid(s) of the TSC2 protein (p.Cys227del), but otherwise preserves the integrity of the reading frame. This variant is not present in population databases (gnomAD no frequency).

Ambry Genetics
Classification: Uncertain significance for Hereditary cancer-predisposing syndrome. Last evaluated: 2020-10-09. Review status: criteria provided, single submitter. Criteria: Ambry Variant Classification Scheme 2023. Collection method: clinical testing. Allele origin: germline.
Comment: The c.680_682delGCT variant (also known as p.C227del) is located in coding exon 7 of the TSC2 gene. This variant results from an in-frame GCT deletion at nucleotide positions 680 to 682. This results in the in-frame deletion of a cysteine at codon 227. This amino acid position is highly conserved in available vertebrate species. In addition, this alteration is predicted to be deleterious by in silico analysis (Choi Y et al. PLoS ONE. 2012; 7(10):e46688). Since supporting evidence is limited at this time, the clinical significance of this alteration remains unclear.

GeneDx
Classification: Uncertain significance. Last evaluated: 2018-06-20. Review status: criteria provided, single submitter. Criteria: GeneDx Variant Classification Process June 2021. Collection method: clinical testing. Allele origin: germline. Affected: yes.
Comment: Not observed in large population cohorts (Lek et al., 2016); In-frame deletion of 1 amino acid in a non-repeat region; In silico analysis, which includes protein predictors and evolutionary conservation, supports a deleterious effect

NM_000548.5(TSC2):c.680_682del (p.Cys227del)

Gene: TSC2 (TSC complex subunit 2; plus strand). Cytogenetic location: 16p13.3.
Variant type: Deletion.
Coding change: c.680_682del on transcript NM_000548.5 (MANE Select); coding-DNA positions 680 to 682, 3 bases deleted (GCT; older notation c.680_682delGCT).
Protein change: p.Cys227del; deletes cysteine 227.
Molecular consequence: inframe deletion.
Genome position (GRCh38, 1-based): chr16:2,056,675-2,056,677, GCT deleted; deleting any 3 consecutive bases within chr16:2,056,673-2,056,677 gives the same sequence; the c. name uses the placement nearest the transcript's 3' end. VCF-style (leftmost placement, unchanged base first): chr16-2056672-TCTG-T. GRCh37 (hg19) VCF-style: chr16-2106673-TCTG-T.
Other names: c.680_682delGCT (NM_000548.3); c.680_682del, p.Cys227del (NM_001077183.3, NM_001114382.3, NM_001363528.2 and 3 more transcripts); c.569_571del, p.Cys190del (NM_001318827.2); c.533_535del, p.Cys178del (NM_001318829.2); c.80_82del, p.Cys27del (NM_001318831.2); c.713_715del, p.Cys238del (NM_001318832.2); short protein forms C178del, C190del, C227del, C238del, C27del.
Identifiers: ClinVar variation 1215595 (VCV001215595.8), dbSNP rs2151078439, ClinGen allele CA2499223272.